The following is an entry in ClinVar:

ClinVar aggregate classification (germline): Uncertain significance. Review status: criteria provided, multiple submitters, no conflicts (2 of 4 stars). 5 submissions from 5 submitters: Uncertain significance (5). Last evaluated 2026-04-30.

Conditions:
Inborn genetic diseases. Identifiers: MedGen C0950123, MeSH D030342.
Normophosphatemic familial tumoral calcinosis. Also called: CALCINOSIS, TUMORAL, WITH NORMOPHOSPHATEMIA. Identifiers: Orphanet 306658, Orphanet 53715, MedGen C1864861, MONDO:0012502, OMIM 610455.
Monosomy 7 myelodysplasia and leukemia syndrome 2. Identifiers: MedGen C5436668, MONDO:0030801, OMIM 619041.

Allele frequency attached by ClinVar (database versions not stated): gnomAD 0.00002; TOPMed 0.00002; ExAC 0.00009.
gnomAD v4.1: 23 of 1,613,804 alleles (0.0014%); highest among the groups gnomAD compares: Admixed American, 0.038%; no homozygotes.

Submissions (5):

Myriad Genetics, Inc.
Classification: Uncertain significance for Normophosphatemic familial tumoral calcinosis. Last evaluated: 2026-04-30. Review status: criteria provided, single submitter. Criteria: Myriad Autosomal Dominant, Autosomal Recessive and X-Linked Classification Criteria (2023). Collection method: clinical testing. Allele origin: unknown.
Comment: NM_017654.3(SAMD9):c.4496A>G(D1499G) is a missense variant classified as a variant of uncertain significance in the context of normophosphatemic familial tumoral calcinosis. D1499G has not been observed in cases with relevant disease. Relevant functional assessments of this variant are not available in the literature. D1499G has been observed in referenced population frequency databases. In summary, there is insufficient evidence to classify NM_017654.3(SAMD9):c.4496A>G(D1499G) as pathogenic or benign. Please note: this variant was assessed in the context of healthy population screening.

St. Jude Molecular Pathology, St. Jude Children's Research Hospital
Classification: Uncertain significance for Monosomy 7 myelodysplasia and leukemia syndrome 2. Last evaluated: 2026-02-11. Review status: criteria provided, single submitter. Criteria: St. Jude Assertion Criteria 2020. Collection method: clinical testing. Allele origin: germline.
Comment: The SAMD9 c.4496A>G p.(Asp1499Gly) missense change has a maximum subpopulation frequency of 0.07% in gnomAD v2.1.1. The in silico tool REVEL predicts a benign effect on protein function, however in silico predictions have not been found to correlate with syndromic risk for SAMD9 variants and are thus not considered supporting evidence of a pathogenic or benign effect (PMID: 34621053). To our knowledge, this variant has not been reported in individuals with SAMD9-associated conditions. In summary, the evidence currently available is insufficient to determine the clinical significance of this variant. It has therefore been classified as of uncertain significance.

Labcorp Genetics (formerly Invitae), Labcorp
Classification: Uncertain significance. Last evaluated: 2025-11-03. Review status: criteria provided, single submitter. Criteria: Invitae Variant Classification Sherloc (09022015). Collection method: clinical testing. Allele origin: germline.
Comment: This sequence change replaces aspartic acid, which is acidic and polar, with glycine, which is neutral and non-polar, at codon 1499 of the SAMD9 protein (p.Asp1499Gly). This variant is present in population databases (rs775609244, gnomAD 0.07%). This variant has not been reported in the literature in individuals affected with SAMD9-related conditions. ClinVar contains an entry for this variant (Variation ID: 1878952). Invitae Evidence Modeling of protein sequence and biophysical properties (such as structural, functional, and spatial information, amino acid conservation, physicochemical variation, residue mobility, and thermodynamic stability) has been performed for this missense variant. However, the output from this modeling did not meet the statistical confidence thresholds required to predict the impact of this variant on SAMD9 protein function. In summary, the available evidence is currently insufficient to determine the role of this variant in disease. Therefore, it has been classified as a Variant of Uncertain Significance.

Ambry Genetics
Classification: Uncertain significance for Inborn genetic diseases. Last evaluated: 2024-12-23. Review status: criteria provided, single submitter. Criteria: Ambry Variant Classification Scheme 2023. Collection method: clinical testing. Allele origin: germline.

GeneDx
Classification: Uncertain significance. Last evaluated: 2022-07-12. Review status: criteria provided, single submitter. Criteria: GeneDx Variant Classification Process June 2021. Collection method: clinical testing. Allele origin: germline. Affected: yes.
Comment: In silico analysis supports that this missense variant does not alter protein structure/function; Has not been previously published as pathogenic or benign to our knowledge

NM_017654.4(SAMD9):c.4496A>G (p.Asp1499Gly)

Gene: SAMD9 (sterile alpha motif domain containing 9; minus strand). Cytogenetic location: 7q21.2.
Variant type: single nucleotide variant.
Coding change: c.4496A>G on transcript NM_017654.4 (MANE Select); coding-DNA position 4496, A replaced by G.
Protein change: p.Asp1499Gly; replaces aspartic acid 1499 with glycine.
Molecular consequence: missense variant.
Genome position (GRCh38, 1-based): chr7:93,101,602, T>C on the plus strand (A>G on the coding strand, the complement: SAMD9 is on the minus strand). VCF-style: chr7-93101602-T-C. GRCh37 (hg19) VCF-style: chr7-92730915-T-C.
Other names: c.4496A>G, p.Asp1499Gly (NM_001193307.2); short protein forms D1499G.
Identifiers: ClinVar variation 1878952 (VCV001878952.8), dbSNP rs775609244, ClinGen allele CA4342544.